The following is an entry in ClinVar:

NM_000540.3(RYR1):c.3379C>T (p.Arg1127Cys)

Gene: RYR1 (ryanodine receptor 1; plus strand). Cytogenetic location: 19q13.2.
Variant type: single nucleotide variant.
Coding change: c.3379C>T on transcript NM_000540.3 (MANE Select); coding-DNA position 3379, C replaced by T.
Protein change: p.Arg1127Cys; replaces arginine 1127 with cysteine.
Molecular consequence: missense variant.
Genome position (GRCh38, 1-based): chr19:38,467,810, C>T. VCF-style: chr19-38467810-C-T. GRCh37 (hg19) VCF-style: chr19-38958450-C-T.
Other names: c.3379C>T, p.Arg1127Cys (NM_001042723.2); short protein forms R1127C.
Identifiers: ClinVar variation 329009 (VCV000329009.60), dbSNP rs753701890, ClinGen allele CA064728.

ClinVar aggregate classification (germline): Uncertain significance. Review status: criteria provided, multiple submitters, no conflicts (2 of 4 stars). 10 submissions from 9 submitters: Uncertain significance (10). Last evaluated 2025-06-20.

Conditions:
RYR1-related disorder. Also called: RYR1-related condition; RYR1-related disorders. Identifiers: MedGen CN239331.
Malignant hyperthermia, susceptibility to, 1 (MHS1). Also called: Malignant hyperthermia suceptibility 1; RYR1-Related Malignant Hyperthermia Susceptibility; Anesthesia related hyperthermia; Malignant hyperpyrexia; Fulminating hyperpyrexia; Pharmacogenic myopathy. Identifiers: Orphanet 423, MedGen C2930980, MONDO:0007783, OMIM 145600.
Central core myopathy (CMYO1A). Also called: CONGENITAL MYOPATHY 1A, AUTOSOMAL DOMINANT, WITH SUSCEPTIBILITY TO MALIGNANT HYPERTHERMIA; Central core disease; Myopathy, central fibrillar. Identifiers: Orphanet 597, MedGen C5830701, MONDO:0007294, OMIM 117000.
Congenital myopathy with fiber type disproportion. Also called: Congenital fiber-type disproportion myopathy; Congenital fiber-type disproportion. Identifiers: Orphanet 2020, MedGen C0546264, MONDO:0009711. Inheritance: all.
King Denborough syndrome (KDS). Identifiers: MedGen C1840365, MONDO:0020485, OMIM 619542.
Congenital multicore myopathy with external ophthalmoplegia (CMYO1B). Also called: Minicore myopathy with external ophthalmoplegia; MULTIMINICORE DISEASE WITH EXTERNAL OPHTHALMOPLEGIA; Congenital myopathy 1B, autosomal recessive; Minicore myopathy; MULTICORE MYOPATHY. Identifiers: Orphanet 598, Orphanet 98905, MedGen C1850674, MONDO:0009712, OMIM 255320, HP:0003789.
Inborn genetic diseases. Identifiers: MedGen C0950123, MeSH D030342.

Allele frequency attached by ClinVar (database versions not stated): gnomAD exomes 0.00003 and 0.00006; gnomAD 0.00005; ExAC 0.00007; TOPMed 0.00007.
gnomAD v4.1: 51 of 1,613,664 alleles (0.0032%); highest among the groups gnomAD compares: Admixed American, 0.023%; no homozygotes.

Submissions (10):

Labcorp Genetics (formerly Invitae), Labcorp
Classification: Uncertain significance for RYR1-related disorder. Last evaluated: 2025-06-20. Review status: criteria provided, single submitter. Criteria: Invitae Variant Classification Sherloc (09022015). Collection method: clinical testing. Allele origin: germline.
Comment: This sequence change replaces arginine, which is basic and polar, with cysteine, which is neutral and slightly polar, at codon 1127 of the RYR1 protein (p.Arg1127Cys). This variant is present in population databases (rs753701890, gnomAD 0.03%). This missense change has been observed in individual(s) with autosomal dominant muscle dysfunction (PMID: 36283893). ClinVar contains an entry for this variant (Variation ID: 329009). An algorithm developed to predict the effect of missense changes on protein structure and function (PolyPhen-2) suggests that this variant is likely to be disruptive. In summary, the available evidence is currently insufficient to determine the role of this variant in disease. Therefore, it has been classified as a Variant of Uncertain Significance.

All of Us Research Program, National Institutes of Health
Classification: Uncertain significance for Malignant hyperthermia, susceptibility to, 1. Last evaluated: 2024-08-13. Review status: criteria provided, single submitter. Criteria: ACMG Guidelines, 2015. Collection method: clinical testing. Allele origin: germline. Inheritance: Autosomal dominant inheritance. Observed: 25 variant alleles, 25 heterozygotes.
Comment: This missense variant replaces arginine with cysteine at codon 1127 of the RYR1 protein. Computational prediction suggests that this variant may have deleterious impact on protein structure and function (internally defined REVEL score threshold >= 0.7, PMID: 27666373). To our knowledge, functional studies have not been reported for this variant. This variant has not been reported in individuals affected with RYR1-related disorders in the literature. This variant has been identified in 16/249940 chromosomes in the general population by the Genome Aggregation Database (gnomAD). The available evidence is insufficient to determine the role of this variant in disease conclusively. Therefore, this variant is classified as a Variant of Uncertain Significance.

This study involves interpretation of variants in research participants for the purpose of population health screening. Participant phenotype was not available at the time of variant classification. Additional details can be found in publication PMID: 35346344, PMCID: PMC8962531

Color Diagnostics, LLC DBA Color Health
Classification: Uncertain significance for Malignant hyperthermia, susceptibility to, 1. Last evaluated: 2024-06-05. Review status: criteria provided, single submitter. Criteria: ACMG Guidelines, 2015. Collection method: clinical testing. Allele origin: germline.
Comment: This missense variant replaces arginine with cysteine at codon 1127 of the RYR1 protein. Computational prediction is inconclusive regarding the impact of this variant on protein structure and function. To our knowledge, functional studies have not been reported for this variant. This variant has not been reported in individuals affected with RYR1-related disorders in the literature. This variant has been identified in 16/249940 chromosomes in the general population by the Genome Aggregation Database (gnomAD). The available evidence is insufficient to determine the role of this variant in disease conclusively. Therefore, this variant is classified as a Variant of Uncertain Significance.

Blueprint Genetics
Classification: Uncertain significance. Last evaluated: 2024-03-05. Review status: criteria provided, single submitter. Criteria: ACMG Guidelines, 2015. Collection method: clinical testing. Allele origin: germline.

Ambry Genetics
Classification: Uncertain significance for Inborn genetic diseases. Last evaluated: 2022-03-25. Review status: criteria provided, single submitter. Criteria: Ambry Variant Classification Scheme 2023. Collection method: clinical testing. Allele origin: germline.

Fulgent Genetics
Classification: Uncertain significance for Central core myopathy; Malignant hyperthermia, susceptibility to, 1; Congenital myopathy 4A, autosomal dominant; Congenital multicore myopathy with external ophthalmoplegia; King Denborough syndrome. Last evaluated: 2021-09-07. Review status: criteria provided, single submitter. Criteria: ACMG Guidelines, 2015. Collection method: clinical testing. Allele origin: unknown.

Revvity Omics, Revvity
Classification: Uncertain significance. Last evaluated: 2019-07-11. Review status: criteria provided, single submitter. Criteria: ACMG Guidelines, 2015. Collection method: clinical testing. Allele origin: germline.

CeGaT Center for Human Genetics Tuebingen
Classification: Uncertain significance. Last evaluated: 2018-10-01. Review status: criteria provided, single submitter. Criteria: CeGaT Center For Human Genetics Tuebingen Variant Classification Criteria Version 2. Collection method: clinical testing. Allele origin: germline. Affected: yes. Observed: 3 variant alleles.

Illumina Laboratory Services, Illumina
Classification: Uncertain significance for Malignant hyperthermia, susceptibility to, 1. Last evaluated: 2018-01-13. Review status: criteria provided, single submitter. Criteria: ICSL Variant Classification Criteria 13 December 2019. Collection method: clinical testing. Allele origin: germline.

Illumina Laboratory Services, Illumina
Classification: Uncertain significance for Congenital multicore myopathy with external ophthalmoplegia. Last evaluated: 2018-01-13. Review status: criteria provided, single submitter. Criteria: ICSL Variant Classification Criteria 13 December 2019. Collection method: clinical testing. Allele origin: germline.

Literature cited by the submitters: PubMed 36283893 (cited by Labcorp Genetics (formerly Invitae), Labcorp).